The following is an entry in ClinVar:

NM_006648.4(WNK2):c.5138G>A (p.Gly1713Asp)

Gene: WNK2 (WNK lysine deficient protein kinase 2; plus strand). Cytogenetic location: 9q22.31.
Variant type: single nucleotide variant.
Coding change: c.5138G>A on transcript NM_006648.4 (MANE Select); coding-DNA position 5138, G replaced by A.
Protein change: p.Gly1713Asp; replaces glycine 1713 with aspartic acid.
Molecular consequence: missense variant.
Genome position (GRCh38, 1-based): chr9:93,292,603, G>A. VCF-style: chr9-93292603-G-A. GRCh37 (hg19) VCF-style: chr9-96054885-G-A.
Other names: c.5249G>A, p.Gly1750Asp (NM_001282394.3); short protein forms G1713D, G1750D.
Identifiers: ClinVar variation 3817262 (VCV003817262.1).

ClinVar aggregate classification (germline): Uncertain significance (1 of 4 stars; one submission).

gnomAD v4.1: 4 of 1,578,550 alleles (0.00025%); highest among the groups gnomAD compares: Non-Finnish European, 0.00034%; no homozygotes.

Submission:

Ambry Genetics
Classification: Uncertain significance. Last evaluated: 2025-03-10. Review status: criteria provided, single submitter. Criteria: Ambry Variant Classification Scheme 2023. Collection method: clinical testing. Allele origin: germline.
Comment: The p.G1713D variant (also known as c.5138G>A), located in coding exon 22 of the WNK2 gene, results from a G to A substitution at nucleotide position 5138. The glycine at codon 1713 is replaced by aspartic acid, an amino acid with similar properties. This amino acid position is conserved. In addition, this alteration is predicted to be tolerated by in silico analysis. Based on the available evidence, the clinical significance of this variant remains unclear.